The following is an entry in ClinVar:

NM_000222.3(KIT):c.1879C>A (p.Pro627Thr)

Gene: KIT (KIT proto-oncogene, receptor tyrosine kinase; plus strand). Cytogenetic location: 4q12.
Variant type: single nucleotide variant.
Coding change: c.1879C>A on transcript NM_000222.3 (MANE Select); coding-DNA position 1879, C replaced by A.
Protein change: p.Pro627Thr; replaces proline 627 with threonine.
Molecular consequence: missense variant.
Genome position (GRCh38, 1-based): chr4:54,727,927, C>A. VCF-style: chr4-54727927-C-A. GRCh37 (hg19) VCF-style: chr4-55594093-C-A.
Other names: c.1867C>A, p.Pro623Thr (NM_001093772.2, NM_001385286.1); c.1882C>A, p.Pro628Thr (NM_001385284.1, NM_001385290.1); c.1879C>A, p.Pro627Thr (NM_001385285.1); c.1870C>A, p.Pro624Thr (NM_001385288.1, NM_001385292.1); short protein forms P627T, P623T, P624T, P628T.
Identifiers: ClinVar variation 409752 (VCV000409752.15), dbSNP rs1032761406, ClinGen allele CA16611671.

ClinVar aggregate classification (germline): Uncertain significance. Review status: criteria provided, multiple submitters, no conflicts (2 of 4 stars). 3 submissions from 3 submitters: Uncertain significance (3). Last evaluated 2025-08-20.

Conditions:
Gastrointestinal stromal tumor. Also called: Gastrointestinal stroma tumor; Gastrointestinal stromal tumor, somatic. Identifiers: Orphanet 44890, MedGen C0238198, MeSH D046152, MONDO:0011719, OMIM 606764, HP:0100723.
Hereditary cancer-predisposing syndrome. Also called: Neoplastic Syndromes, Hereditary; Hereditary Cancer Syndrome; Hereditary neoplastic syndrome; Tumor predisposition. Identifiers: Orphanet 140162, MedGen C0027672, MeSH D009386, MONDO:0015356.

gnomAD v4.1: 1 of 1,613,818 alleles (0.000062%); highest among the groups gnomAD compares: Non-Finnish European, 0.000085%; no homozygotes.

Submissions (3):

Labcorp Genetics (formerly Invitae), Labcorp
Classification: Uncertain significance for Gastrointestinal stromal tumor. Last evaluated: 2025-08-20. Review status: criteria provided, single submitter. Criteria: Invitae Variant Classification Sherloc (09022015). Collection method: clinical testing. Allele origin: germline.
Comment: This sequence change replaces proline, which is neutral and non-polar, with threonine, which is neutral and polar, at codon 627 of the KIT protein (p.Pro627Thr). This variant is not present in population databases (gnomAD no frequency). This variant has not been reported in the literature in individuals affected with KIT-related conditions. ClinVar contains an entry for this variant (Variation ID: 409752). An algorithm developed to predict the effect of missense changes on protein structure and function (PolyPhen-2) suggests that this variant is likely to be disruptive. In summary, the available evidence is currently insufficient to determine the role of this variant in disease. Therefore, it has been classified as a Variant of Uncertain Significance.

Ambry Genetics
Classification: Uncertain significance for Hereditary cancer-predisposing syndrome. Last evaluated: 2024-02-02. Review status: criteria provided, single submitter. Criteria: Ambry Variant Classification Scheme 2023. Collection method: clinical testing. Allele origin: germline.
Comment: The p.P627T variant (also known as c.1879C>A), located in coding exon 12 of the KIT gene, results from a C to A substitution at nucleotide position 1879. The amino acid change results in proline to threonine at codon 627, an amino acid with highly similar properties. In one study, this alteration was predicted to have neutral effect based on 3D structural analysis (Ittisoponpisan S et al. J Endocr Soc, 2018 Aug;2:842-854). This amino acid position is well conserved in available vertebrate species. In addition, this alteration is predicted to be tolerated by in silico analysis. Since supporting evidence is limited at this time, the clinical significance of this alteration remains unclear.

Baylor Genetics
Classification: Uncertain significance for Gastrointestinal stromal tumor. Last evaluated: 2023-11-22. Review status: criteria provided, single submitter. Criteria: ACMG Guidelines, 2015. Collection method: clinical testing. Allele origin: unknown.

Literature cited by the submitters: PubMed 30019023 (cited by Ambry Genetics).